The following is an entry in ClinVar:

ClinVar aggregate classification (germline): Conflicting classifications of pathogenicity. Review status: criteria provided, conflicting classifications (1 of 4 stars). 3 submissions from 3 submitters: Uncertain significance (1); Likely benign (2). Last evaluated 2025-09-10.

Conditions:
Cardiovascular phenotype. Identifiers: MedGen CN230736.
Alstrom syndrome (ALMS). Identifiers: Orphanet 64, MedGen C0268425, MONDO:0008763, OMIM 203800.

Allele frequency attached by ClinVar (database versions not stated): gnomAD exomes 0.00002 and 0.00004; TOPMed 0.00002; ExAC 0.00003; gnomAD 0.00003 and 0.00004.
gnomAD v4.1: 74 of 1,613,960 alleles (0.0046%); highest among the groups gnomAD compares: Non-Finnish European, 0.0056%; no homozygotes.

Submissions (3):

Labcorp Genetics (formerly Invitae), Labcorp
Classification: Likely benign for Alstrom syndrome. Last evaluated: 2025-09-10. Review status: criteria provided, single submitter. Criteria: Invitae Variant Classification Sherloc (09022015). Collection method: clinical testing. Allele origin: germline.

GeneDx
Classification: Uncertain significance. Last evaluated: 2020-12-04. Review status: criteria provided, single submitter. Criteria: GeneDx Variant Classification Process June 2021. Collection method: clinical testing. Allele origin: germline. Affected: yes.
Comment: Observed in 6/128440 (0.0047%) alleles from individuals in large population cohorts (Lek et al., 2016).; In silico analysis supports that this variant does not alter splicing; Has not been previously published as pathogenic or benign to our knowledge

Ambry Genetics
Classification: Likely benign for Cardiovascular phenotype. Last evaluated: 2020-03-04. Review status: criteria provided, single submitter. Criteria: Ambry Variant Classification Scheme 2023. Collection method: clinical testing. Allele origin: germline.

NM_001378454.1(ALMS1):c.6087T>C (p.Thr2029=)

Gene: ALMS1 (ALMS1 centrosome and basal body associated protein; plus strand). Cytogenetic location: 2p13.1.
Variant type: single nucleotide variant.
Coding change: c.6087T>C on transcript NM_001378454.1 (MANE Select); coding-DNA position 6087, T replaced by C.
Protein change: p.Thr2029=; no amino-acid change (threonine 2029 retained).
Molecular consequence: synonymous variant.
Genome position (GRCh38, 1-based): chr2:73,452,614, T>C. VCF-style: chr2-73452614-T-C. GRCh37 (hg19) VCF-style: chr2-73679741-T-C.
Other names: c.6090T>C, p.Thr2030= (NM_015120.4).
Identifiers: ClinVar variation 1159776 (VCV001159776.12), dbSNP rs199967386, ClinGen allele CA1714002.